The following is an entry in ClinVar:

NM_000128.4(F11):c.1613C>T (p.Pro538Leu)

Genes: F11 (coagulation factor XI; plus strand), F11-AS1 (F11 antisense RNA 1; minus strand). Cytogenetic location: 4q35.2.
Variant type: single nucleotide variant.
Coding change: c.1613C>T on transcript NM_000128.4 (MANE Select); coding-DNA position 1613, C replaced by T.
Protein change: p.Pro538Leu; replaces proline 538 with leucine.
Molecular consequence: missense variant.
Genome position (GRCh38, 1-based): chr4:186,287,720, C>T. VCF-style: chr4-186287720-C-T. GRCh37 (hg19) VCF-style: chr4-187208874-C-T.
Other names: short protein forms P538L.
Identifiers: ClinVar variation 189154 (VCV000189154.12), dbSNP rs139695003, ClinGen allele CA199131.

ClinVar aggregate classification (germline): Pathogenic/Likely pathogenic. Review status: criteria provided, multiple submitters, no conflicts (2 of 4 stars). 7 submissions from 7 submitters: Pathogenic (2); Likely pathogenic (4). 1 of the submissions does not count toward it. Last evaluated 2026-10-02.

Conditions:
F11-related disorder. Also called: F11-related condition.
Plasma factor XI deficiency.
Hereditary factor XI deficiency disease. Also called: PLASMA THROMBOPLASTIN ANTECEDENT DEFICIENCY; PTA DEFICIENCY; ROSENTHAL SYNDROME; Congenital factor XI deficiency. Identifiers: Orphanet 329, MedGen C0015523, MeSH D005173, MONDO:0012897, OMIM 612416.

Allele frequency attached by ClinVar (database versions not stated): ESP Exome Variant Server 0.00008; gnomAD 0.00010 and 0.00009; TOPMed 0.00017.
gnomAD v4.1: 313 of 1,612,918 alleles (0.019%); highest among the groups gnomAD compares: Non-Finnish European, 0.026%; no homozygotes.

Submissions (7):

GeneDx
Classification: Likely pathogenic. Last evaluated: 2026-10-02. Review status: criteria provided, single submitter. Criteria: GeneDx Variant Classification Process June 2021. Collection method: clinical testing. Allele origin: germline.
Comment: Published functional studies found this variant is associated with reduced factor XI activity and decreased catalytic efficiency (PMID: 17229051); In silico analysis supports that this missense variant has a deleterious effect on protein structure/function; Also known as p.(P520L); This variant is associated with the following publications: (PMID: 19652879, 31589614, 28960694, 15953011, 16835901, 37647632, 17229051, 41092952, 34597376, 17549289, Alesci2026[Abstract], 31064749, 20523169)

Victorian Clinical Genetics Services, Murdoch Childrens Research Institute
Classification: Likely pathogenic for Hereditary factor XI deficiency disease. Last evaluated: 2026-04-22. Review status: criteria provided, single submitter. Criteria: ACMG Guidelines, 2015. Collection method: clinical testing. Allele origin: germline. Affected: yes.
Comment: This variant is classified as Likely pathogenic. Evidence in support of pathogenic classification: Variant is present in gnomAD <0.01 (v4: 313 heterozygote(s), 0 homozygote(s)); This variant has strong previous evidence of pathogenicity in unrelated individuals. This variant has been classified as pathogenic by clinical laboratories in ClinVar. This variant has also been reported in the literature in multiple families and both heterozygous and homozygous individuals with cross-reacting material-positive (CRM+) FXI deficiency (PMIDs:15953011, 28960694, 20523169, 16835901). Additional information: Variant is predicted to result in a missense amino acid change from Pro to Leu; This variant is heterozygous; This gene is associated with both recessive and dominant disease. Recessive cases are more severe than cases involving heterozygous carriers, who may be asymptomatic despite having FXI deficiency (PMID:18446632); Alternative amino acid change(s) at the same position are present in gnomAD (highest allele count: v4: 4 heterozygote(s), 0 homozygote(s)); Variant is located in the annotated trypsin domain (DECIPHER). - Missense variant with inconclusive in silico prediction and/or uninformative conservation; Dominant negative and loss of function are known mechanisms of disease in this gene and are associated with factor XI deficiency. Dominant negative missense variants tend to have dominant inheritance patterns (PMID: 15026311), while loss of function variants are generally recessive, though symptomatic carriers have been reported (OMIM); Variants in this gene are known to have variable expressivity. There is a high degree of variable expression. Intrafamilial variation has been reported (PMID: 32118380); Inheritance information for this variant is not currently available in this individual.

PreventionGenetics, part of Exact Sciences
Classification: Likely pathogenic for F11-related condition. Last evaluated: 2025-10-30. Review status: criteria provided, single submitter. Criteria: ACMG Guidelines, 2015. Collection method: clinical testing. Allele origin: germline.
Comment: The F11 c.1613C>T variant is predicted to result in the amino acid substitution p.Pro538Leu. This variant is alternatively referred to as p.Pro520Leu using legacy nomenclature, has been reported in the heterozygous state in individuals with Factor XI deficiency and has been shown to alter Factor XI protein function in biochemical studies (See for example, Hill et al. 2005. PubMed ID: 15953011; Gailani et al. 2007. PubMed ID: 17229051). This variant is reported in 0.018% of alleles in individuals of European (Non-Finnish) descent in gnomAD. This variant is interpreted as likely pathogenic.

Natera, Inc.
Classification: Pathogenic for Plasma factor XI deficiency. Last evaluated: 2025-10-21. Review status: criteria provided, single submitter. Criteria: Natera Variant Classification Schema (03/2026). Collection method: clinical testing. Allele origin: germline.
Comment: The c.1613C>T variant in F11 is a missense variant predicted to cause substitution of proline to leucine at amino acid 538. This variant is rare in the general population with a frequency below the threshold expected for the associated phenotype(s). This variant has been observed in one or more individuals affected with the associated recessive disease, as either homozygous or compound heterozygous with a second variant (PMID: 28960694). This variant has been observed in affected individual(s) with monoallelic occurrence (heterozygous/hemizygous) (PMID: 28960694, 20523169, 16835901). Additionally, this variant has been observed to segregate in affected family members (PMID: 28960694). Functional studies show that this variant may disrupt protein function (PMID: 17549289, 28960694). Computational prediction algorithms indicate this variant is likely to affect gene or protein function. Given the available evidence, this variant is classified as Pathogenic.

Mendelics
Classification: Pathogenic for Hereditary factor XI deficiency disease. Last evaluated: 2022-05-04. Review status: criteria provided, single submitter. Criteria: Mendelics Assertion Criteria 2019. Collection method: clinical testing. Allele origin: germline.

NIHR Bioresource Rare Diseases, University of Cambridge
Classification: Likely pathogenic for Hereditary factor XI deficiency disease. Last evaluated: 2019-02-01. Review status: criteria provided, single submitter. Criteria: ACMG Guidelines, 2015. Collection method: research. Allele origin: unknown. Affected: yes. Observed: 1 heterozygote. Study: ThromboGenomics.

Counsyl
Classification: Likely pathogenic for Hereditary factor XI deficiency disease. Last evaluated: 2015-01-26. Review status: no assertion criteria provided. Collection method: literature only. Allele origin: unknown. Inheritance: Autosomal recessive inheritance. Not counted in ClinVar's aggregate classification.

Literature cited by the submitters: PubMed 15953011 (cited by Victorian Clinical Genetics Services, Murdoch Childrens Research Institute and Counsyl); PubMed 18446632 (cited by Victorian Clinical Genetics Services, Murdoch Childrens Research Institute); PubMed 20523169 (cited by Victorian Clinical Genetics Services, Murdoch Childrens Research Institute and Natera, Inc.); PubMed 16835901 (cited by Victorian Clinical Genetics Services, Murdoch Childrens Research Institute and Natera, Inc.); PubMed 32118380 (cited by Victorian Clinical Genetics Services, Murdoch Childrens Research Institute); PubMed 15026311 (cited by Victorian Clinical Genetics Services, Murdoch Childrens Research Institute); PubMed 28960694 (cited by Victorian Clinical Genetics Services, Murdoch Childrens Research Institute and Natera, Inc.); PubMed 17549289 (cited by Natera, Inc.); PubMed 31064749 (cited by NIHR Bioresource Rare Diseases, University of Cambridge); PubMed 17229051 (cited by Counsyl); PubMed 19652879 (cited by Counsyl).